The following is an entry in ClinVar:

NM_015346.4(ZFYVE26):c.2887G>C (p.Val963Leu)

Gene: ZFYVE26 (zinc finger FYVE-type containing 26; minus strand). Cytogenetic location: 14q24.1.
Variant type: single nucleotide variant.
Coding change: c.2887G>C on transcript NM_015346.4 (MANE Select); coding-DNA position 2887, G replaced by C.
Protein change: p.Val963Leu; replaces valine 963 with leucine.
Molecular consequence: missense variant.
Genome position (GRCh38, 1-based): chr14:67,789,467, C>G on the plus strand (G>C on the coding strand, the complement: ZFYVE26 is on the minus strand). VCF-style: chr14-67789467-C-G. GRCh37 (hg19) VCF-style: chr14-68256184-C-G.
Other names: p.Val963Leu; short protein forms V963L.
Identifiers: ClinVar variation 188323 (VCV000188323.48), dbSNP rs116890187, ClinGen allele CA334610.

ClinVar aggregate classification (germline): Conflicting classifications of pathogenicity. Review status: criteria provided, conflicting classifications (1 of 4 stars). 10 submissions from 10 submitters: Uncertain significance (1); Benign (5); Likely benign (2). 2 of the submissions do not count toward it. Last evaluated 2026-09-01.

Conditions:
Spastic paraplegia. Identifiers: MedGen C0037772, HP:0001258.
Hereditary spastic paraplegia. Also called: Familial spastic paraparesis. Identifiers: Orphanet 685, MedGen C0037773, MONDO:0019064. Disease mechanism: loss of function.
Hereditary spastic paraplegia 15 (SPG15). Also called: KJELLIN SYNDROME; SPASTIC PARAPLEGIA 15, AUTOSOMAL RECESSIVE; SPASTIC PARAPLEGIA AND RETINAL DEGENERATION. Identifiers: Orphanet 100996, MedGen C1849128, MONDO:0010044, OMIM 270700.

Allele frequency attached by ClinVar (database versions not stated): 1000 Genomes Project 0.00579; gnomAD 0.00606 and 0.00613; 1000 Genomes Project 30x 0.00640; TOPMed 0.00662; ESP Exome Variant Server 0.00677; gnomAD exomes 0.00751 and 0.00774; ExAC 0.00765.
gnomAD v4.1: 11,988 of 1,614,220 alleles (0.74%); highest among the groups gnomAD compares: Middle Eastern, 1%; 57 homozygotes.

Submissions (10):

CeGaT Center for Human Genetics Tuebingen
Classification: Likely benign. Last evaluated: 2026-09-01. Review status: criteria provided, single submitter. Criteria: CeGaT Center For Human Genetics Tuebingen Variant Classification Criteria Version 2. Collection method: clinical testing. Allele origin: germline. Affected: yes. Observed: 41 variant alleles.
Comment: ZFYVE26: BP4, BS2

Labcorp Genetics (formerly Invitae), Labcorp
Classification: Benign for Spastic paraplegia. Last evaluated: 2026-02-01. Review status: criteria provided, single submitter. Criteria: Invitae Variant Classification Sherloc (09022015). Collection method: clinical testing. Allele origin: germline.

Mayo Clinic Laboratories, Mayo Clinic
Classification: Benign. Last evaluated: 2023-04-11. Review status: criteria provided, single submitter. Criteria: ACMG Guidelines, 2015. Collection method: clinical testing. Allele origin: germline. Observed: 30 variant alleles.

Genome Diagnostics Laboratory, The Hospital for Sick Children
Classification: Benign for Hereditary spastic paraplegia. Last evaluated: 2021-09-09. Review status: criteria provided, single submitter. Criteria: ACMG Guidelines, 2015. Collection method: clinical testing. Allele origin: germline. Affected: yes.

Illumina Laboratory Services, Illumina
Classification: Uncertain significance for Hereditary spastic paraplegia 15. Last evaluated: 2018-01-12. Review status: criteria provided, single submitter. Criteria: ICSL Variant Classification Criteria 13 December 2019. Collection method: clinical testing. Allele origin: germline.

Athena Diagnostics
Classification: Benign. Last evaluated: 2017-09-01. Review status: criteria provided, single submitter. Criteria: Athena Diagnostics Criteria. Collection method: clinical testing. Allele origin: germline.

Center for Pediatric Genomic Medicine, Children's Mercy Hospital and Clinics
Classification: Likely benign. Last evaluated: 2016-08-01. Review status: criteria provided, single submitter. Criteria: ACMG Guidelines, 2015. Collection method: clinical testing. Allele origin: germline.
ClinVar note: Converted during submission from Likely Benign to Likely benign.

GeneDx
Classification: Benign. Last evaluated: 2016-07-28. Review status: criteria provided, single submitter. Criteria: GeneDx Variant Classification (06012015). Collection method: clinical testing. Allele origin: germline. Affected: yes.
Comment: This variant is considered likely benign or benign based on one or more of the following criteria: it is a conservative change, it occurs at a poorly conserved position in the protein, it is predicted to be benign by multiple in silico algorithms, and/or has population frequency not consistent with disease.

Genome Diagnostics Laboratory, University Medical Center Utrecht
Classification: Benign. Review status: no assertion criteria provided. Collection method: clinical testing. Allele origin: germline. Affected: yes. Study: VKGL Data-share Consensus. Not counted in ClinVar's aggregate classification.

Joint Genome Diagnostic Labs from Nijmegen and Maastricht, Radboudumc and MUMC+
Classification: Likely benign. Review status: no assertion criteria provided. Collection method: clinical testing. Allele origin: germline. Affected: yes. Study: VKGL Data-share Consensus. Not counted in ClinVar's aggregate classification.